The following is an entry in ClinVar:

ClinVar aggregate classification (germline): Uncertain significance (1 of 4 stars; one submission).

Conditions:
Hereditary cancer-predisposing syndrome. Also called: Neoplastic Syndromes, Hereditary; Hereditary Cancer Syndrome; Tumor predisposition; Hereditary neoplastic syndrome. Identifiers: Orphanet 140162, MedGen C0027672, MeSH D009386, MONDO:0015356.

gnomAD v4.1: 1 of 1,511,456 alleles (0.000066%); no homozygotes.

Submission:

Ambry Genetics
Classification: Uncertain significance for Hereditary cancer-predisposing syndrome. Last evaluated: 2024-12-30. Review status: criteria provided, single submitter. Criteria: Ambry Variant Classification Scheme 2023. Collection method: clinical testing. Allele origin: germline.
Comment: The p.R7G variant (also known as c.19C>G), located in coding exon 1 of the RB1 gene, results from a C to G substitution at nucleotide position 19. The arginine at codon 7 is replaced by glycine, an amino acid with dissimilar properties. This amino acid position is highly conserved in available vertebrate species. In addition, the in silico prediction for this alteration is inconclusive. Based on the available evidence, the clinical significance of this variant remains unclear.

NM_000321.3(RB1):c.19C>G (p.Arg7Gly)

Gene: RB1 (RB transcriptional corepressor 1; plus strand). Cytogenetic location: 13q14.2.
Variant type: single nucleotide variant.
Coding change: c.19C>G on transcript NM_000321.3 (MANE Select); coding-DNA position 19, C replaced by G.
Protein change: p.Arg7Gly; replaces arginine 7 with glycine.
Molecular consequence: missense variant.
Genome position (GRCh38, 1-based): chr13:48,303,931, C>G. VCF-style: chr13-48303931-C-G. GRCh37 (hg19) VCF-style: chr13-48878067-C-G.
Other names: c.19C>G, p.Arg7Gly (NM_001407165.1, NM_001407166.1, NM_001407167.1); short protein forms R7G.
Identifiers: ClinVar variation 3787250 (VCV003787250.1).